The following is an entry in ClinVar:

ClinVar aggregate classification (germline): Likely benign. Review status: criteria provided, multiple submitters, no conflicts (2 of 4 stars). 3 submissions from 3 submitters: Likely benign (3). Last evaluated 2025-05-22.

Conditions:
Schuurs-Hoeijmakers syndrome. Also called: PACS1-Related Neurodevelopmental Disorder. Identifiers: Orphanet 329224, MedGen C3554343, MONDO:0014006, OMIM 615009.

Allele frequency attached by ClinVar (database versions not stated): TOPMed 0.00003.
gnomAD v4.1: 55 of 1,614,020 alleles (0.0034%); highest among the groups gnomAD compares: East Asian, 0.0067%; no homozygotes.

Submissions (3):

Labcorp Genetics (formerly Invitae), Labcorp
Classification: Likely benign for Schuurs-Hoeijmakers syndrome. Last evaluated: 2025-05-22. Review status: criteria provided, single submitter. Criteria: Invitae Variant Classification Sherloc (09022015). Collection method: clinical testing. Allele origin: germline.

Blueprint Genetics
Classification: Likely benign. Last evaluated: 2024-10-10. Review status: criteria provided, single submitter. Criteria: ACMG Guidelines, 2015. Collection method: clinical testing. Allele origin: germline.

CeGaT Center for Human Genetics Tuebingen
Classification: Likely benign. Last evaluated: 2022-12-01. Review status: criteria provided, single submitter. Criteria: CeGaT Center For Human Genetics Tuebingen Variant Classification Criteria Version 2. Collection method: clinical testing. Allele origin: germline. Affected: yes. Observed: 1 variant allele.
Comment: PACS1: BP4, BP7

NM_018026.4(PACS1):c.1221G>A (p.Ser407=)

Gene: PACS1 (phosphofurin acidic cluster sorting protein 1; plus strand). Cytogenetic location: 11q13.2.
Variant type: single nucleotide variant.
Coding change: c.1221G>A on transcript NM_018026.4 (MANE Select); coding-DNA position 1221, G replaced by A.
Protein change: p.Ser407=; no amino-acid change (serine 407 retained).
Molecular consequence: synonymous variant.
Genome position (GRCh38, 1-based): chr11:66,221,175, G>A. VCF-style: chr11-66221175-G-A. GRCh37 (hg19) VCF-style: chr11-65988646-G-A.
Identifiers: ClinVar variation 1594604 (VCV001594604.33), dbSNP rs745557583, ClinGen allele CA6116507.